The following is an entry in ClinVar:

NM_015340.4(LARS2):c.811C>T (p.His271Tyr)

Gene: LARS2 (leucyl-tRNA synthetase 2, mitochondrial; plus strand). Cytogenetic location: 3p21.31.
Variant type: single nucleotide variant.
Coding change: c.811C>T on transcript NM_015340.4 (MANE Select); coding-DNA position 811, C replaced by T.
Protein change: p.His271Tyr; replaces histidine 271 with tyrosine.
Molecular consequence: missense variant.
Genome position (GRCh38, 1-based): chr3:45,474,303, C>T. VCF-style: chr3-45474303-C-T. GRCh37 (hg19) VCF-style: chr3-45515795-C-T.
Other names: c.811C>T, p.His271Tyr (NM_001368263.1); short protein forms H271Y.
Identifiers: ClinVar variation 3006279 (VCV003006279.3), dbSNP rs747041439, ClinGen allele CA2349419.

ClinVar aggregate classification (germline): Uncertain significance (1 of 4 stars; one submission).

Allele frequency attached by ClinVar (database versions not stated): gnomAD exomes 0.00001; ExAC 0.00002.
gnomAD v4.1: 4 of 1,612,004 alleles (0.00025%); highest among the groups gnomAD compares: Non-Finnish European, 0.00034%; no homozygotes.

Submission:

Labcorp Genetics (formerly Invitae), Labcorp
Classification: Uncertain significance. Last evaluated: 2023-07-31. Review status: criteria provided, single submitter. Criteria: Invitae Variant Classification Sherloc (09022015). Collection method: clinical testing. Allele origin: germline.
Comment: Advanced modeling of protein sequence and biophysical properties (such as structural, functional, and spatial information, amino acid conservation, physicochemical variation, residue mobility, and thermodynamic stability) performed at Invitae indicates that this missense variant is not expected to disrupt LARS2 protein function. This sequence change replaces histidine, which is basic and polar, with tyrosine, which is neutral and polar, at codon 271 of the LARS2 protein (p.His271Tyr). This variant is present in population databases (rs747041439, gnomAD 0.002%). This variant has not been reported in the literature in individuals affected with LARS2-related conditions. In summary, the available evidence is currently insufficient to determine the role of this variant in disease. Therefore, it has been classified as a Variant of Uncertain Significance.